The following is an entry in ClinVar:

ClinVar aggregate classification (germline): Conflicting classifications of pathogenicity. Review status: criteria provided, conflicting classifications (1 of 4 stars). 3 submissions from 1 submitter: Uncertain significance (1); Benign (1); Likely benign (1). Last evaluated 2018-01-13.

Conditions:
Retinitis pigmentosa (RP). Identifiers: Orphanet 791, MedGen C0035334, MeSH D012174, MONDO:0019200, OMIM 268000. Inheritance: Autosomal dominant, autosomal recessive and X linked inheritance.
Leber congenital amaurosis 7 (LCA7). Identifiers: Orphanet 65, MedGen C3151192, MONDO:0013449, OMIM 613829.
Cone-rod dystrophy 2 (CORD2). Also called: CONE-ROD RETINAL DYSTROPHY; Cone-rod retinal dystrophy 2. Identifiers: Orphanet 1872, MedGen C3489532, MONDO:0007362, OMIM 120970.

Allele frequency attached by ClinVar (database versions not stated): gnomAD 0.00006 and 0.00007; TOPMed 0.00009; 1000 Genomes Project 0.00040; 1000 Genomes Project 30x 0.00047.

Submissions (3):

Illumina Laboratory Services, Illumina
Classification: Uncertain significance for Leber congenital amaurosis 7. Last evaluated: 2018-01-13. Review status: criteria provided, single submitter. Criteria: ICSL Variant Classification Criteria 13 December 2019. Collection method: clinical testing. Allele origin: germline.

Illumina Laboratory Services, Illumina
Classification: Likely benign for Retinitis pigmentosa. Last evaluated: 2018-01-13. Review status: criteria provided, single submitter. Criteria: ICSL Variant Classification Criteria 13 December 2019. Collection method: clinical testing. Allele origin: germline.
Comment: This variant was observed in the ICSL laboratory as part of a predisposition screen in an ostensibly healthy population. It had not been previously curated by ICSL or reported in the Human Gene Mutation Database (HGMD: prior to June 1st, 2018), and was therefore a candidate for classification through an automated scoring system. Utilizing variant allele frequency, disease prevalence and penetrance estimates, and inheritance mode, an automated score was calculated to assess if this variant is too frequent to cause the disease. Based on the score and internal cut-off values, a variant classified as likely benign is not then subjected to further curation. The score for this variant resulted in a classification of likely benign for this disease.

Illumina Laboratory Services, Illumina
Classification: Benign for Cone-rod dystrophy 2. Last evaluated: 2018-01-13. Review status: criteria provided, single submitter. Criteria: ICSL Variant Classification Criteria 13 December 2019. Collection method: clinical testing. Allele origin: germline.
Comment: This variant was observed in the ICSL laboratory as part of a predisposition screen in an ostensibly healthy population. It had not been previously curated by ICSL or reported in the Human Gene Mutation Database (HGMD: prior to June 1st, 2018), and was therefore a candidate for classification through an automated scoring system. Utilizing variant allele frequency, disease prevalence and penetrance estimates, and inheritance mode, an automated score was calculated to assess if this variant is too frequent to cause the disease. Based on the score and internal cut-off values, a variant classified as benign is not then subjected to further curation. The score for this variant resulted in a classification of benign for this disease.

NM_000554.6(CRX):c.*1917G>A

Gene: CRX (cone-rod homeobox; plus strand). Cytogenetic location: 19q13.33.
Variant type: single nucleotide variant.
Coding change: c.*1917G>A on transcript NM_000554.6 (MANE Select); 1917 bases downstream of the stop codon, G replaced by A.
Molecular consequence: 3 prime UTR variant.
Genome position (GRCh38, 1-based): chr19:47,841,884, G>A. VCF-style: chr19-47841884-G-A. GRCh37 (hg19) VCF-style: chr19-48345141-G-A.
Identifiers: ClinVar variation 329749 (VCV000329749.5), dbSNP rs557773336, ClinGen allele CA10648925.